The following is an entry in ClinVar:

ClinVar aggregate classification (germline): Likely benign. Review status: criteria provided, multiple submitters, no conflicts (2 of 4 stars). 3 submissions from 3 submitters: Likely benign (3). Last evaluated 2025-08-13.

Conditions:
Hereditary cancer-predisposing syndrome. Also called: Hereditary Cancer Syndrome; Neoplastic Syndromes, Hereditary; Tumor predisposition; Hereditary neoplastic syndrome. Identifiers: Orphanet 140162, MedGen C0027672, MeSH D009386, MONDO:0015356.
Peutz-Jeghers syndrome (PJS). Also called: Peutz-Jeghers polyposis; Periorificial lentiginosis syndrome; POLYPOSIS, HAMARTOMATOUS INTESTINAL; POLYPS-AND-SPOTS SYNDROME. Identifiers: Orphanet 2869, MedGen C0031269, MeSH D010580, MONDO:0008280, OMIM 175200.

Allele frequency attached by ClinVar (database versions not stated): TOPMed below 0.00001.

Submissions (3):

Labcorp Genetics (formerly Invitae), Labcorp
Classification: Likely benign for Peutz-Jeghers syndrome. Last evaluated: 2025-08-13. Review status: criteria provided, single submitter. Criteria: Invitae Variant Classification Sherloc (09022015). Collection method: clinical testing. Allele origin: germline.

Myriad Genetics, Inc.
Classification: Likely benign for Peutz-Jeghers syndrome. Last evaluated: 2025-03-27. Review status: criteria provided, single submitter. Criteria: Myriad Autosomal Dominant, Autosomal Recessive and X-Linked Classification Criteria (2023). Collection method: clinical testing. Allele origin: unknown.
Comment: This variant is considered likely benign. This variant is intronic and is not expected to impact mRNA splicing.

Color Diagnostics, LLC DBA Color Health
Classification: Likely benign for Hereditary cancer-predisposing syndrome. Last evaluated: 2018-02-07. Review status: criteria provided, single submitter. Criteria: ACMG Guidelines, 2015. Collection method: clinical testing. Allele origin: germline.

NM_000455.5(STK11):c.735-12C>T

Gene: STK11 (serine/threonine kinase 11; plus strand). Cytogenetic location: 19p13.3.
Variant type: single nucleotide variant.
Coding change: c.735-12C>T on transcript NM_000455.5 (MANE Select); 12 bases into the intron before coding-DNA position 735, C replaced by T.
Molecular consequence: intron variant.
Genome position (GRCh38, 1-based): chr19:1,221,201, C>T. VCF-style: chr19-1221201-C-T. GRCh37 (hg19) VCF-style: chr19-1221200-C-T.
Identifiers: ClinVar variation 631289 (VCV000631289.11), dbSNP rs764712846, ClinGen allele CA913188957.